The following is an entry in ClinVar:

ClinVar aggregate classification (germline): Uncertain significance. Review status: criteria provided, multiple submitters, no conflicts (2 of 4 stars). 2 submissions from 2 submitters: Uncertain significance (2). Last evaluated 2024-04-16.

Conditions:
Hereditary cancer-predisposing syndrome. Also called: Neoplastic Syndromes, Hereditary; Tumor predisposition; Hereditary Cancer Syndrome; Hereditary neoplastic syndrome. Identifiers: Orphanet 140162, MedGen C0027672, MeSH D009386, MONDO:0015356.
POLD1-related polyposis and colorectal cancer syndrome (CRCS10). Also called: Colorectal cancer 10; COLORECTAL CANCER, SUSCEPTIBILITY TO, ON CHROMOSOME 19q; Colorectal cancer, susceptibility to, 10. Identifiers: Orphanet 220460, MedGen C2675481, MONDO:0012953, OMIM 612591.

Submissions (2):

Ambry Genetics
Classification: Uncertain significance for Hereditary cancer-predisposing syndrome. Last evaluated: 2024-04-16. Review status: criteria provided, single submitter. Criteria: Ambry Variant Classification Scheme 2023. Collection method: clinical testing. Allele origin: germline.
Comment: The p.I387F variant (also known as c.1159A>T), located in coding exon 9 of the POLD1 gene, results from an A to T substitution at nucleotide position 1159. The isoleucine at codon 387 is replaced by phenylalanine, an amino acid with highly similar properties. This amino acid position is conserved. In addition, this alteration is predicted to be tolerated by in silico analysis. Based on the available evidence, the clinical significance of this variant remains unclear.

Labcorp Genetics (formerly Invitae), Labcorp
Classification: Uncertain significance for POLD1-related polyposis and colorectal cancer syndrome. Last evaluated: 2023-07-06. Review status: criteria provided, single submitter. Criteria: Invitae Variant Classification Sherloc (09022015). Collection method: clinical testing. Allele origin: germline.
Comment: This variant is not present in population databases (gnomAD no frequency). In summary, the available evidence is currently insufficient to determine the role of this variant in disease. Therefore, it has been classified as a Variant of Uncertain Significance. Advanced modeling of protein sequence and biophysical properties (such as structural, functional, and spatial information, amino acid conservation, physicochemical variation, residue mobility, and thermodynamic stability) performed at Invitae indicates that this missense variant is not expected to disrupt POLD1 protein function. This variant has not been reported in the literature in individuals affected with POLD1-related conditions. This sequence change replaces isoleucine, which is neutral and non-polar, with phenylalanine, which is neutral and non-polar, at codon 387 of the POLD1 protein (p.Ile387Phe).

NM_002691.4(POLD1):c.1159A>T (p.Ile387Phe)

Gene: POLD1 (DNA polymerase delta 1, catalytic subunit; plus strand). Cytogenetic location: 19q13.33.
Variant type: single nucleotide variant.
Coding change: c.1159A>T on transcript NM_002691.4 (MANE Select); coding-DNA position 1159, A replaced by T.
Protein change: p.Ile387Phe; replaces isoleucine 387 with phenylalanine.
Molecular consequence: missense variant. On other transcripts: non-coding transcript variant (1).
Genome position (GRCh38, 1-based): chr19:50,403,514, A>T. VCF-style: chr19-50403514-A-T. GRCh37 (hg19) VCF-style: chr19-50906771-A-T.
Other names: c.1159A>T, p.Ile387Phe (NM_001256849.1, NM_001308632.1); c.1159A>T (NM_002691.2); short protein forms I387F.
Identifiers: ClinVar variation 2844166 (VCV002844166.4), dbSNP rs2513976814, ClinGen allele CA406978466.